The following is an entry in ClinVar:

NM_031942.5(CDCA7):c.696C>G (p.Asp232Glu)

Gene: CDCA7 (cell division cycle associated 7; plus strand). Cytogenetic location: 2q31.1.
Variant type: single nucleotide variant.
Coding change: c.696C>G on transcript NM_031942.5 (MANE Select); coding-DNA position 696, C replaced by G.
Protein change: p.Asp232Glu; replaces aspartic acid 232 with glutamic acid.
Molecular consequence: missense variant.
Genome position (GRCh38, 1-based): chr2:173,363,892, C>G. VCF-style: chr2-173363892-C-G. GRCh37 (hg19) VCF-style: chr2-174228620-C-G.
Other names: c.459C>G, p.Asp153Glu (NM_145810.3); short protein forms D232E, D153E.
Identifiers: ClinVar variation 2466426 (VCV002466426.5), dbSNP rs577219258, ClinGen allele CA1971294.
Genomic context (GRCh38, chr2:173,363,892, plus strand): 5'-GTCTGAATTAGAAAGCTTCCCTGGCTCGTTCCGTGGAAGACATCCCCTCCCAGGCTCCGA[C>G]TCAGTAAGTACCAGTTCTTGTTTATATACAGTAGTGTTTTGGGCACACCTAAGGTCGATC-3'
Protein context (NP_114148.3, residues 222-242): FRGRHPLPGS[Asp232Glu]SQSRRPRRRT

ClinVar aggregate classification (germline): Uncertain significance. Review status: criteria provided, multiple submitters, no conflicts (2 of 4 stars). 2 submissions from 2 submitters: Uncertain significance (2). Last evaluated 2025-04-12.

Allele frequency attached by ClinVar (database versions not stated): gnomAD 0.00001; gnomAD exomes 0.00002; TOPMed 0.00002; ExAC 0.00007; 1000 Genomes Project 30x 0.00016; 1000 Genomes Project 0.00020.
gnomAD v4.1: 28 of 1,614,096 alleles (0.0017%); highest among the groups gnomAD compares: South Asian, 0.027%; no homozygotes.

Submissions (2):

Ambry Genetics
Classification: Uncertain significance. Last evaluated: 2025-04-12. Review status: criteria provided, single submitter. Criteria: Ambry Variant Classification Scheme 2023. Collection method: clinical testing. Allele origin: germline.

Labcorp Genetics (formerly Invitae), Labcorp
Classification: Uncertain significance. Last evaluated: 2023-12-30. Review status: criteria provided, single submitter. Criteria: Invitae Variant Classification Sherloc (09022015). Collection method: clinical testing. Allele origin: germline.
Comment: This sequence change replaces aspartic acid, which is acidic and polar, with glutamic acid, which is acidic and polar, at codon 232 of the CDCA7 protein (p.Asp232Glu). This variant is present in population databases (rs577219258, gnomAD 0.04%). This variant has not been reported in the literature in individuals affected with CDCA7-related conditions. ClinVar contains an entry for this variant (Variation ID: 2466426). Advanced modeling of protein sequence and biophysical properties (such as structural, functional, and spatial information, amino acid conservation, physicochemical variation, residue mobility, and thermodynamic stability) performed at Invitae indicates that this missense variant is not expected to disrupt CDCA7 protein function with a negative predictive value of 80%. In summary, the available evidence is currently insufficient to determine the role of this variant in disease. Therefore, it has been classified as a Variant of Uncertain Significance.